The following is an entry in ClinVar:

NM_018089.3(ANKZF1):c.820-6_820-4del

Gene: ANKZF1 (ankyrin repeat and zinc finger peptidyl tRNA hydrolase 1; plus strand). Cytogenetic location: 2q35.
Variant type: Deletion.
Coding change: c.820-6_820-4del on transcript NM_018089.3 (MANE Select); 6 bases into the intron before coding-DNA position 820 through 4 bases into the intron before coding-DNA position 820, 3 bases deleted (CTC; older notation c.820-6_820-4delCTC).
Molecular consequence: intron variant.
Genome position (GRCh38, 1-based): chr2:219,233,709-219,233,711, CTC deleted. VCF-style (leftmost placement, unchanged base first): chr2-219233708-TCTC-T. GRCh37 (hg19) VCF-style: chr2-220098430-TCTC-T.
Other names: c.820-6_820-4del (NM_001042410.2); c.190-6_190-4del (NM_001282792.2).
Identifiers: ClinVar variation 3715739 (VCV003715739.2).

ClinVar aggregate classification (germline): Uncertain significance (1 of 4 stars; one submission).

Submission:

Labcorp Genetics (formerly Invitae), Labcorp
Classification: Uncertain significance. Last evaluated: 2024-10-07. Review status: criteria provided, single submitter. Criteria: Invitae Variant Classification Sherloc (09022015). Collection method: clinical testing. Allele origin: germline.
Comment: This sequence change falls in intron 7 of the ANKZF1 gene. It does not directly change the encoded amino acid sequence of the ANKZF1 protein. This variant is present in population databases (rs762693493, gnomAD 0.002%). This variant has not been reported in the literature in individuals affected with ANKZF1-related conditions. Algorithms developed to predict the effect of sequence changes on RNA splicing suggest that this variant may disrupt the consensus splice site. In summary, the available evidence is currently insufficient to determine the role of this variant in disease. Therefore, it has been classified as a Variant of Uncertain Significance.